The following is an entry in ClinVar:

ClinVar aggregate classification (germline): Likely benign (0 of 4 stars; one submission).

Conditions:
KIF26B-related disorder. Also called: KIF26B-related condition.

Allele frequency attached by ClinVar (database versions not stated): ExAC 0.00005; ESP Exome Variant Server 0.00008; TOPMed 0.00017.
gnomAD v4.1: 75 of 1,605,948 alleles (0.0047%); highest among the groups gnomAD compares: African/African-American, 0.064%; no homozygotes.

Submission:

PreventionGenetics, part of Exact Sciences
Classification: Likely benign for KIF26B-related condition. Last evaluated: 2019-05-20. Review status: no assertion criteria provided. Collection method: clinical testing. Allele origin: germline.
Comment: This variant is classified as likely benign based on ACMG/AMP sequence variant interpretation guidelines (Richards et al. 2015 PMID: 25741868, with internal and published modifications).

NM_018012.4(KIF26B):c.1671C>T (p.Ile557=)

Gene: KIF26B (kinesin family member 26B; plus strand). Cytogenetic location: 1q44.
Variant type: single nucleotide variant.
Coding change: c.1671C>T on transcript NM_018012.4 (MANE Select); coding-DNA position 1671, C replaced by T.
Protein change: p.Ile557=; no amino-acid change (isoleucine 557 retained).
Molecular consequence: synonymous variant.
Genome position (GRCh38, 1-based): chr1:245,609,285, C>T. VCF-style: chr1-245609285-C-T. GRCh37 (hg19) VCF-style: chr1-245772587-C-T.
Identifiers: ClinVar variation 3039381 (VCV003039381.2), dbSNP rs113032967, ClinGen allele CA1487766.